The following is an entry in ClinVar:

NM_005222.4(DLX6):c.75GCA[11] (p.Gln44_Pro45insGlnGlnGln)

Genes: DLX6 (distal-less homeobox 6; plus strand), DLX6-AS1 (DLX6 antisense RNA 1; minus strand). Cytogenetic location: 7q21.3.
Variant type: Microsatellite.
Coding change: c.75GCA[11] on transcript NM_005222.4 (MANE Select); 11 copies in a row of the 3-base unit GCA starting at c.75; the reference has eight copies in a row; three copies, 9 bases duplicated.
Protein change: p.Gln44_Pro45insGlnGlnGln.
Genome position (GRCh38, 1-based): chr7:97,006,067-97,006,075, GCAGCAGCA duplicated; duplicating any 9 consecutive bases within chr7:97,006,052-97,006,075 gives the same sequence; the position shown is the placement nearest the transcript's 3' end. VCF-style (leftmost placement, unchanged base first): chr7-97006051-G-GGCAGCAGCA. GRCh37 (hg19) VCF-style: chr7-96635363-G-GGCAGCAGCA.
Identifiers: ClinVar variation 3668457 (VCV003668457.2).
Genomic context (GRCh38, chr7:97,006,051, plus strand): 5'-CTACGATGGCTGACGGCTTGGAAGGCCAGGACTCGTCCAAATCCGCCTTCATGGAGTTCG[G>GGCAGCAGCA]GCAGCAGCAGCAGCAGCAGCAGCAACAGCAGCAGCAGCAGCAGCAGCAACAGCAACAGCC-3'

ClinVar aggregate classification (germline): Uncertain significance (1 of 4 stars; one submission).

Submission:

Labcorp Genetics (formerly Invitae), Labcorp
Classification: Uncertain significance. Last evaluated: 2025-05-11. Review status: criteria provided, single submitter. Criteria: Invitae Variant Classification Sherloc (09022015). Collection method: clinical testing. Allele origin: germline.
Comment: This variant, c.90_98dup, results in the insertion of 3 amino acid(s) of the DLX6 protein (p.Gln42_Gln44dup), but otherwise preserves the integrity of the reading frame. The frequency data for this variant in the population databases is considered unreliable, as metrics indicate poor data quality at this position in the gnomAD database. This variant has not been reported in the literature in individuals affected with DLX6-related conditions. In summary, the available evidence is currently insufficient to determine the role of this variant in disease. Therefore, it has been classified as a Variant of Uncertain Significance.